The following is an entry in ClinVar:

ClinVar aggregate classification (germline): Pathogenic (1 of 4 stars; one submission).

Conditions:
Osteogenesis imperfecta type I (OI1). Also called: Lobstein's Disease; Lobstein disease; OI, TYPE I; OSTEOGENESIS IMPERFECTA TARDA; OSTEOGENESIS IMPERFECTA WITH BLUE SCLERAE; Osteogenesis imperfecta type 1. Identifiers: Orphanet 216796, Orphanet 666, MedGen C0023931, MONDO:0008146, OMIM 166200. Disease mechanism: loss of function.

Submission:

Labcorp Genetics (formerly Invitae), Labcorp
Classification: Pathogenic for Osteogenesis imperfecta type I. Last evaluated: 2023-11-27. Review status: criteria provided, single submitter. Criteria: Invitae Variant Classification Sherloc (09022015). Collection method: clinical testing. Allele origin: germline.
Comment: This sequence change affects an acceptor splice site in intron 47 of the COL1A1 gene. It is expected to disrupt RNA splicing. Variants that disrupt the donor or acceptor splice site typically lead to a loss of protein function (PMID: 16199547), and loss-of-function variants in COL1A1 are known to be pathogenic (PMID: 7942841, 9295084, 9443882). This variant is not present in population databases (gnomAD no frequency). Disruption of this splice site has been observed in individuals with osteogenesis imperfecta (PMID: 25963598; Invitae). Algorithms developed to predict the effect of sequence changes on RNA splicing suggest that this variant may disrupt the consensus splice site. For these reasons, this variant has been classified as Pathogenic.

Literature cited by the submitters: PubMed 16199547; PubMed 7942841; PubMed 9295084; PubMed 9443882; PubMed 25963598.

NM_000088.4(COL1A1):c.3532-1G>T

Gene: COL1A1 (collagen type I alpha 1 chain; minus strand). Cytogenetic location: 17q21.33.
Variant type: single nucleotide variant.
Coding change: c.3532-1G>T on transcript NM_000088.4 (MANE Select); the canonical splice acceptor site of the intron before coding-DNA position 3532, G replaced by T.
Molecular consequence: splice acceptor variant.
Genome position (GRCh38, 1-based): chr17:50,186,923, C>A on the plus strand (G>T on the coding strand, the complement: COL1A1 is on the minus strand). VCF-style: chr17-50186923-C-A. GRCh37 (hg19) VCF-style: chr17-48264284-C-A.
Identifiers: ClinVar variation 2699014 (VCV002699014.3), dbSNP rs2509165688, ClinGen allele CA400198413.